The following is an entry in ClinVar:

NM_001387025.1(GRAMD1B):c.2241G>A (p.Thr747=)

Gene: GRAMD1B (GRAM domain containing 1B; plus strand). Cytogenetic location: 11q24.1.
Variant type: single nucleotide variant.
Coding change: c.2241G>A on transcript NM_001387025.1 (MANE Select); coding-DNA position 2241, G replaced by A.
Protein change: p.Thr747=; no amino-acid change (threonine 747 retained).
Molecular consequence: synonymous variant.
Genome position (GRCh38, 1-based): chr11:123,614,758, G>A. VCF-style: chr11-123614758-G-A. GRCh37 (hg19) VCF-style: chr11-123485466-G-A.
Other names: c.1812G>A, p.Thr604= (NM_001387029.1, NM_020716.4, NM_001387028.1); c.1692G>A, p.Thr564= (NM_001387030.1, NM_001387031.1, NM_001387032.1 and 5 more transcripts); c.1893G>A, p.Thr631= (NM_001367418.2, NM_001367419.2, NM_001367420.2); c.2109G>A, p.Thr703= (NM_001367421.2); c.2241G>A, p.Thr747= (NM_001387024.1); c.2238G>A, p.Thr746= (NM_001387026.1); c.1833G>A, p.Thr611= (NM_001286563.3).
Identifiers: ClinVar variation 2642484 (VCV002642484.24), dbSNP rs149202511, ClinGen allele CA6333822.
Genomic context (GRCh38, chr11:123,614,758, plus strand): 5'-GGACTTGTGGGTCACCATGGTGATGGTCTCTTTAATTCTCCCCACAGGTTCCACACAGAC[G>A]CGGCATATCCCGGAGGACACCCCCAACGGTTTCCACCTGCAGAGCGTGTCCAAGCTGCTG-3'
Protein context (NP_001373954.1, residues 737-757): RIKHVAGSTQ[Thr747=]RHIPEDTPNG

ClinVar aggregate classification (germline): Likely benign (1 of 4 stars; one submission).

Allele frequency attached by ClinVar (database versions not stated): 1000 Genomes Project 0.00040; ExAC 0.00001; gnomAD 0.00001; gnomAD exomes 0.00001; TOPMed 0.00001; 1000 Genomes Project 30x 0.00031.
gnomAD v4.1: 13 of 1,609,752 alleles (0.00081%); highest among the groups gnomAD compares: Admixed American, 0.01%; no homozygotes.

Submission:

CeGaT Center for Human Genetics Tuebingen
Classification: Likely benign. Last evaluated: 2022-03-01. Review status: criteria provided, single submitter. Criteria: CeGaT Center For Human Genetics Tuebingen Variant Classification Criteria Version 2. Collection method: clinical testing. Allele origin: germline. Affected: yes. Observed: 1 variant allele.
Comment: GRAMD1B: BP4, BP7